The following is an entry in ClinVar:

ClinVar aggregate classification (germline): Uncertain significance. Review status: criteria provided, multiple submitters, no conflicts (2 of 4 stars). 3 submissions from 3 submitters: Uncertain significance (3). Last evaluated 2025-12-10.

Conditions:
Inborn genetic diseases. Identifiers: MedGen C0950123, MeSH D030342.

Allele frequency attached by ClinVar (database versions not stated): gnomAD exomes below 0.00001; TOPMed below 0.00001; gnomAD 0.00001.
gnomAD v4.1: 3 of 1,613,712 alleles (0.00019%); highest among the groups gnomAD compares: Non-Finnish European, 0.00025%; no homozygotes.

Submissions (3):

Ambry Genetics
Classification: Uncertain significance for Inborn genetic diseases. Last evaluated: 2025-12-10. Review status: criteria provided, single submitter. Criteria: Ambry Variant Classification Scheme 2023. Collection method: clinical testing. Allele origin: germline.

Labcorp Genetics (formerly Invitae), Labcorp
Classification: Uncertain significance. Last evaluated: 2022-10-17. Review status: criteria provided, single submitter. Criteria: Invitae Variant Classification Sherloc (09022015). Collection method: clinical testing. Allele origin: germline.
Comment: This sequence change replaces serine, which is neutral and polar, with proline, which is neutral and non-polar, at codon 921 of the IMPG2 protein (p.Ser921Pro). This variant is not present in population databases (gnomAD no frequency). This missense change has been observed in individual(s) with retinitis pigmentosa (Invitae). ClinVar contains an entry for this variant (Variation ID: 865816). Advanced modeling of protein sequence and biophysical properties (such as structural, functional, and spatial information, amino acid conservation, physicochemical variation, residue mobility, and thermodynamic stability) performed at Invitae indicates that this missense variant is expected to disrupt IMPG2 protein function. In summary, the available evidence is currently insufficient to determine the role of this variant in disease. Therefore, it has been classified as a Variant of Uncertain Significance.

Blueprint Genetics
Classification: Uncertain significance. Last evaluated: 2019-10-30. Review status: criteria provided, single submitter. Criteria: ACMG Guidelines, 2015. Collection method: clinical testing. Allele origin: germline.

NM_016247.4(IMPG2):c.2761T>C (p.Ser921Pro)

Gene: IMPG2 (interphotoreceptor matrix proteoglycan 2; minus strand). Cytogenetic location: 3q12.3.
Variant type: single nucleotide variant.
Coding change: c.2761T>C on transcript NM_016247.4 (MANE Select); coding-DNA position 2761, T replaced by C.
Protein change: p.Ser921Pro; replaces serine 921 with proline.
Molecular consequence: missense variant.
Genome position (GRCh38, 1-based): chr3:101,243,570, A>G on the plus strand (T>C on the coding strand, the complement: IMPG2 is on the minus strand). VCF-style: chr3-101243570-A-G. GRCh37 (hg19) VCF-style: chr3-100962414-A-G.
Other names: short protein forms S921P.
Identifiers: ClinVar variation 865816 (VCV000865816.11), dbSNP rs1232182280, ClinGen allele CA353855500.
Genomic context (GRCh38, chr3:101,243,570, plus strand): 5'-TTTCACTTTTTATGCTTACCAATTCTAAGAATCTTTGCTCCAGGGCTTTATACTCCAAGG[A>G]GTTTTTATTAAACAGATCTTCTGAAAACATCATGTTAGTCACTCGGAGGCTGAAGAAAAC-3'
Protein context (NP_057331.2, residues 911-931): MFSEDLFNKN[Ser921Pro]LEYKALEQRF